The following is an entry in ClinVar:

NM_199420.4(POLQ):c.5660A>G (p.Asp1887Gly)

Gene: POLQ (DNA polymerase theta; minus strand). Cytogenetic location: 3q13.33.
Variant type: single nucleotide variant.
Coding change: c.5660A>G on transcript NM_199420.4 (MANE Select); coding-DNA position 5660, A replaced by G.
Protein change: p.Asp1887Gly; replaces aspartic acid 1887 with glycine.
Molecular consequence: missense variant.
Genome position (GRCh38, 1-based): chr3:121,485,154, T>C on the plus strand (A>G on the coding strand, the complement: POLQ is on the minus strand). VCF-style: chr3-121485154-T-C. GRCh37 (hg19) VCF-style: chr3-121204001-T-C.
Other names: short protein forms D1887G.
Identifiers: ClinVar variation 3308675 (VCV003308675.1).

ClinVar aggregate classification (germline): Uncertain significance (1 of 4 stars; one submission).

gnomAD v4.1: 7 of 1,608,304 alleles (0.00044%); highest among the groups gnomAD compares: Non-Finnish European, 0.00059%; no homozygotes.

Submission:

Ambry Genetics
Classification: Uncertain significance. Last evaluated: 2024-05-08. Review status: criteria provided, single submitter. Criteria: Ambry Variant Classification Scheme 2023. Collection method: clinical testing. Allele origin: germline.
Comment: The p.D1887G variant (also known as c.5660A>G), located in coding exon 17 of the POLQ gene, results from an A to G substitution at nucleotide position 5660. The aspartic acid at codon 1887 is replaced by glycine, an amino acid with similar properties. This amino acid position is conserved. In addition, this alteration is predicted to be tolerated by in silico analysis. Based on the available evidence, the clinical significance of this variant remains unclear.